The following is an entry in ClinVar:

ClinVar aggregate classification (germline): Pathogenic (1 of 4 stars; one submission).

Conditions:
Menke-Hennekam syndrome 1 (MKHK1). Identifiers: MedGen C5193034, MONDO:0020763, OMIM 618332.

Submission:

Cytogenetics and Genomics Lab, Cyprus Institute Of Neurology and Genetics
Classification: Pathogenic for Menke-Hennekam syndrome 1. Last evaluated: 2025-02-21. Review status: criteria provided, single submitter. Criteria: ACGS Guidelines, 2020. Collection method: clinical testing. Allele origin: de novo. Affected: yes. Observed: 1 variant allele.
Comment: The criteria PM2_supporting, PM1_moderate, PP3_strong and PS2_strong were used. The variant was absent from gnomAD database, it located in a mutational hot spot, in silico tools strongly support its pathogenicity and the de novo origin of the variant was confirmed

NM_004380.3(CREBBP):c.5368T>C (p.Cys1790Arg)

Gene: CREBBP (CREB binding lysine acetyltransferase; minus strand). Cytogenetic location: 16p13.3.
Variant type: single nucleotide variant.
Coding change: c.5368T>C on transcript NM_004380.3 (MANE Select); coding-DNA position 5368, T replaced by C.
Protein change: p.Cys1790Arg; replaces cysteine 1790 with arginine.
Molecular consequence: missense variant.
Genome position (GRCh38, 1-based): chr16:3,729,679, A>G on the plus strand (T>C on the coding strand, the complement: CREBBP is on the minus strand). VCF-style: chr16-3729679-A-G. GRCh37 (hg19) VCF-style: chr16-3779680-A-G.
Other names: c.5254T>C, p.Cys1752Arg (NM_001079846.1); short protein forms C1752R, C1790R.
Identifiers: ClinVar variation 3767134 (VCV003767134.1).
Genomic context (GRCh38, chr16:3,729,679, plus strand): 5'-GTTTGCAGCCCTTGGTGTGCTGCACCACCCGCTTCATCTTCTGGCAGGATGGCAGCGAGC[A>G]GTTGGCGTTGCGGCACTGGCACGCGTGCACCAGCGACTGGATGCAGCGCTGGATGCTCAG-3'
Protein context (NP_004371.2, residues 1780-1800): VHACQCRNAN[Cys1790Arg]SLPSCQKMKR